The following is an entry in ClinVar:

ClinVar aggregate classification (germline): Uncertain significance (1 of 4 stars; one submission).

Conditions:
Agammaglobulinemia 4, autosomal recessive (AGM4). Also called: B cell linker protein deficiency; AGAMMAGLOBULINEMIA, AUTOSOMAL RECESSIVE, DUE TO BLNK DEFECT. Identifiers: MedGen C3150752, MONDO:0013289, OMIM 613502.

Allele frequency attached by ClinVar (database versions not stated): ExAC 0.00001; gnomAD exomes 0.00001; gnomAD 0.00002; TOPMed 0.00002.
gnomAD v4.1: 13 of 1,613,774 alleles (0.00081%); highest among the groups gnomAD compares: African/African-American, 0.0027%; no homozygotes.

Submission:

Labcorp Genetics (formerly Invitae), Labcorp
Classification: Uncertain significance for Agammaglobulinemia 4, autosomal recessive. Last evaluated: 2025-02-10. Review status: criteria provided, single submitter. Criteria: Invitae Variant Classification Sherloc (09022015). Collection method: clinical testing. Allele origin: germline.
Comment: This sequence change replaces arginine, which is basic and polar, with histidine, which is basic and polar, at codon 280 of the BLNK protein (p.Arg280His). This variant is present in population databases (rs782275274, gnomAD 0.007%). This variant has not been reported in the literature in individuals affected with BLNK-related conditions. ClinVar contains an entry for this variant (Variation ID: 1945759). Invitae Evidence Modeling of protein sequence and biophysical properties (such as structural, functional, and spatial information, amino acid conservation, physicochemical variation, residue mobility, and thermodynamic stability) indicates that this missense variant is not expected to disrupt BLNK protein function with a negative predictive value of 80%. In summary, the available evidence is currently insufficient to determine the role of this variant in disease. Therefore, it has been classified as a Variant of Uncertain Significance.

NM_013314.4(BLNK):c.839G>A (p.Arg280His)

Genes: BLNK (B cell linker; minus strand), ZNF518A (zinc finger protein 518A; plus strand). Cytogenetic location: 10q24.1.
Variant type: single nucleotide variant.
Coding change: c.839G>A on transcript NM_013314.4 (MANE Select); coding-DNA position 839, G replaced by A.
Protein change: p.Arg280His; replaces arginine 280 with histidine.
Molecular consequence: missense variant. On other transcripts: non-coding transcript variant (5).
Genome position (GRCh38, 1-based): chr10:96,204,595, C>T on the plus strand (G>A on the coding strand, the complement: BLNK is on the minus strand). VCF-style: chr10-96204595-C-T. GRCh37 (hg19) VCF-style: chr10-97964351-C-T.
Other names: c.770G>A, p.Arg257His (NM_001114094.2, NM_001258441.2); c.839G>A, p.Arg280His (NM_001258440.2); c.524G>A, p.Arg175His (NM_001258442.2); short protein forms R175H, R257H, R280H.
Identifiers: ClinVar variation 1945759 (VCV001945759.5), dbSNP rs782275274, ClinGen allele CA5623286.